The following is an entry in ClinVar:

ClinVar aggregate classification (germline): Uncertain significance. Review status: criteria provided, multiple submitters, no conflicts (2 of 4 stars). 2 submissions from 2 submitters: Uncertain significance (2). Last evaluated 2025-07-07.

Conditions:
Hereditary cancer-predisposing syndrome. Also called: Tumor predisposition; Hereditary Cancer Syndrome; Neoplastic Syndromes, Hereditary; Hereditary neoplastic syndrome. Identifiers: Orphanet 140162, MedGen C0027672, MeSH D009386, MONDO:0015356.
Multiple endocrine neoplasia, type 2 (MEN2). Identifiers: Orphanet 653, MedGen C4048306, MONDO:0019003. Disease mechanism: gain of function.

Allele frequency attached by ClinVar (database versions not stated): gnomAD exomes below 0.00001.
gnomAD v4.1: 1 of 1,613,846 alleles (0.000062%); highest among the groups gnomAD compares: Non-Finnish European, 0.000085%; no homozygotes.

Submissions (2):

Ambry Genetics
Classification: Uncertain significance for Hereditary cancer-predisposing syndrome. Last evaluated: 2025-07-07. Review status: criteria provided, single submitter. Criteria: Ambry Variant Classification Scheme 2023. Collection method: clinical testing. Allele origin: germline.
Comment: The p.N377S variant (also known as c.1130A>G), located in coding exon 6 of the RET gene, results from an A to G substitution at nucleotide position 1130. The asparagine at codon 377 is replaced by serine, an amino acid with highly similar properties. This amino acid position is highly conserved in available vertebrate species. In addition, this alteration is predicted to be tolerated by in silico analysis. Since supporting evidence is limited at this time, the clinical significance of this alteration remains unclear.

Labcorp Genetics (formerly Invitae), Labcorp
Classification: Uncertain significance for Multiple endocrine neoplasia, type 2. Last evaluated: 2024-05-31. Review status: criteria provided, single submitter. Criteria: Invitae Variant Classification Sherloc (09022015). Collection method: clinical testing. Allele origin: germline.
Comment: This sequence change replaces asparagine, which is neutral and polar, with serine, which is neutral and polar, at codon 377 of the RET protein (p.Asn377Ser). This variant is not present in population databases (gnomAD no frequency). This variant has not been reported in the literature in individuals affected with RET-related conditions. ClinVar contains an entry for this variant (Variation ID: 822221). An algorithm developed to predict the effect of missense changes on protein structure and function (PolyPhen-2) suggests that this variant is likely to be tolerated. In summary, the available evidence is currently insufficient to determine the role of this variant in disease. Therefore, it has been classified as a Variant of Uncertain Significance.

NM_020975.6(RET):c.1130A>G (p.Asn377Ser)

Gene: RET (ret proto-oncogene; plus strand). Cytogenetic location: 10q11.21.
Variant type: single nucleotide variant.
Coding change: c.1130A>G on transcript NM_020975.6 (MANE Select); coding-DNA position 1130, A replaced by G.
Protein change: p.Asn377Ser; replaces asparagine 377 with serine.
Molecular consequence: missense variant.
Genome position (GRCh38, 1-based): chr10:43,109,097, A>G. VCF-style: chr10-43109097-A-G. GRCh37 (hg19) VCF-style: chr10-43604545-A-G.
Other names: c.1130A>G, p.Asn377Ser (NM_000323.2, NM_001406743.1, NM_001406744.1 and 6 more transcripts); c.368A>G, p.Asn123Ser (NM_001355216.2); c.1001A>G, p.Asn334Ser (NM_001406761.1, NM_001406762.1, NM_001406764.1 and 1 more transcripts); c.842A>G, p.Asn281Ser (NM_001406766.1, NM_001406767.1, NM_001406770.1); c.692A>G, p.Asn231Ser (NM_001406771.1, NM_001406773.1); c.404A>G, p.Asn135Ser (NM_001406775.1, NM_001406776.1, NM_001406777.1 and 1 more transcripts); c.140A>G, p.Asn47Ser (NM_001406784.1); short protein forms N377S, N123S, N281S, N334S, N47S, N231S, N135S.
Identifiers: ClinVar variation 822221 (VCV000822221.12), dbSNP rs1588869351, ClinGen allele CA376547412.
Genomic context (GRCh38, chr10:43,109,097, plus strand): 5'-TTCTCAACCGGAACCTCTCCATCTCGGAGAACCGCACCATGCAGCTGGCGGTGCTGGTCA[A>G]TGACTCAGACTTCCAGGGCCCAGGAGCGGGCGTCCTCTTGCTCCACTTCAACGTGTCGGT-3'
Protein context (NP_066124.1, residues 367-387): NRTMQLAVLV[Asn377Ser]DSDFQGPGAG